The following is an entry in ClinVar:

ClinVar aggregate classification (germline): Uncertain significance (1 of 4 stars; one submission).

Allele frequency attached by ClinVar (database versions not stated): gnomAD 0.00001; gnomAD exomes 0.00001; ExAC 0.00002; TOPMed 0.00002.
gnomAD v4.1: 5 of 1,613,806 alleles (0.00031%); highest among the groups gnomAD compares: African/African-American, 0.004%; no homozygotes.

Submission:

Labcorp Genetics (formerly Invitae), Labcorp
Classification: Uncertain significance. Last evaluated: 2024-02-25. Review status: criteria provided, single submitter. Criteria: Invitae Variant Classification Sherloc (09022015). Collection method: clinical testing. Allele origin: germline.
Comment: This sequence change replaces arginine, which is basic and polar, with histidine, which is basic and polar, at codon 312 of the NEFH protein (p.Arg312His). This variant is present in population databases (rs766690537, gnomAD 0.01%). This variant has not been reported in the literature in individuals affected with NEFH-related conditions. Advanced modeling of protein sequence and biophysical properties (such as structural, functional, and spatial information, amino acid conservation, physicochemical variation, residue mobility, and thermodynamic stability) performed at Invitae indicates that this missense variant is not expected to disrupt NEFH protein function with a negative predictive value of 95%. In summary, the available evidence is currently insufficient to determine the role of this variant in disease. Therefore, it has been classified as a Variant of Uncertain Significance.

NM_021076.4(NEFH):c.935G>A (p.Arg312His)

Gene: NEFH (neurofilament heavy chain; plus strand). Cytogenetic location: 22q12.2.
Variant type: single nucleotide variant.
Coding change: c.935G>A on transcript NM_021076.4 (MANE Select); coding-DNA position 935, G replaced by A.
Protein change: p.Arg312His; replaces arginine 312 with histidine.
Molecular consequence: missense variant.
Genome position (GRCh38, 1-based): chr22:29,483,426, G>A. VCF-style: chr22-29483426-G-A. GRCh37 (hg19) VCF-style: chr22-29879415-G-A.
Other names: short protein forms R312H.
Identifiers: ClinVar variation 2903696 (VCV002903696.3), dbSNP rs766690537, ClinGen allele CA10174070.
Genomic context (GRCh38, chr22:29,483,426, plus strand): 5'-CTCCCCCAGTGAGGCTGGACCGACTGTCGGAGGCAGCCAAGGTGAACACAGACGCTATGC[G>A]CTCAGCGCAGGAGGAGATAACTGAGTACCGGCGTCAGCTGCAGGCCAGGACCACAGAGCT-3'
Protein context (NP_066554.2, residues 302-322): EAAKVNTDAM[Arg312His]SAQEEITEYR